The following is an entry in ClinVar:

ClinVar aggregate classification (germline): Pathogenic (1 of 4 stars; one submission).

Submission:

Labcorp Genetics (formerly Invitae), Labcorp
Classification: Pathogenic. Last evaluated: 2023-07-13. Review status: criteria provided, single submitter. Criteria: Invitae Variant Classification Sherloc (09022015). Collection method: clinical testing. Allele origin: unknown.
Comment: This variant is a gross deletion of the genomic region encompassing exon(s) 19-20 of the LAMB3 gene. This deletion is out-of-frame, and is expected to create a premature termination codon and result in an absent or disrupted protein product. Loss-of-function variants in LAMB3 are known to be pathogenic (PMID: 11023379, 16473856). This variant has not been reported in the literature in individuals affected with LAMB3-related conditions. For these reasons, this variant has been classified as Pathogenic.

Literature cited by the submitters: PubMed 11023379; PubMed 16473856.

NC_000001.10:g.(?_209791232)_(209792024_?)del

Gene: LAMB3 (laminin subunit beta 3; minus strand). Cytogenetic location: 1q32.2.
Variant type: Deletion.
Identifiers: ClinVar variation 3247878 (VCV003247878.1).